The following is an entry in ClinVar:

NM_002641.4(PIGA):c.293A>G (p.Tyr98Cys)

Gene: PIGA (phosphatidylinositol glycan anchor biosynthesis class A; minus strand). Cytogenetic location: Xp22.2.
Variant type: single nucleotide variant.
Coding change: c.293A>G on transcript NM_002641.4 (MANE Select); coding-DNA position 293, A replaced by G.
Protein change: p.Tyr98Cys; replaces tyrosine 98 with cysteine.
Molecular consequence: missense variant. On other transcripts: non-coding transcript variant (1), intron variant (1).
Genome position (GRCh38, 1-based): chrX:15,331,638, T>C on the plus strand (A>G on the coding strand, the complement: PIGA is on the minus strand). VCF-style: chrX-15331638-T-C. GRCh37 (hg19) VCF-style: chrX-15349760-T-C.
Other names: c.13+3863A>G (NM_020473.3); short protein forms Y98C.
Identifiers: ClinVar variation 389847 (VCV000389847.3), dbSNP rs1057523554, ClinGen allele CA16609134.

ClinVar aggregate classification (germline): Likely pathogenic (1 of 4 stars; one submission).

Submission:

GeneDx
Classification: Likely pathogenic. Last evaluated: 2025-05-06. Review status: criteria provided, single submitter. Criteria: GeneDx Variant Classification Process June 2021. Collection method: clinical testing. Allele origin: germline. Affected: yes.
Comment: Not observed at significant frequency in large population cohorts (gnomAD); In silico analysis supports that this missense variant has a deleterious effect on protein structure/function; Has not been previously published as pathogenic or benign to our knowledge